The following is an entry in ClinVar:

NM_001081.4(CUBN):c.9393G>A (p.Val3131=)

Gene: CUBN (cubilin; minus strand). Cytogenetic location: 10p13.
Variant type: single nucleotide variant.
Coding change: c.9393G>A on transcript NM_001081.4 (MANE Select); coding-DNA position 9393, G replaced by A.
Protein change: p.Val3131=; no amino-acid change (valine 3131 retained).
Molecular consequence: synonymous variant.
Genome position (GRCh38, 1-based): chr10:16,869,697, C>T on the plus strand (G>A on the coding strand, the complement: CUBN is on the minus strand). VCF-style: chr10-16869697-C-T. GRCh37 (hg19) VCF-style: chr10-16911696-C-T.
Identifiers: ClinVar variation 3032390 (VCV003032390.2), dbSNP rs2491254428, ClinGen allele CA468300787.

ClinVar aggregate classification (germline): Likely benign (0 of 4 stars; one submission).

Conditions:
CUBN-related disorder. Also called: CUBN-related condition.

Submission:

PreventionGenetics, part of Exact Sciences
Classification: Likely benign for CUBN-related condition. Last evaluated: 2020-10-26. Review status: no assertion criteria provided. Collection method: clinical testing. Allele origin: germline.
Comment: This variant is classified as likely benign based on ACMG/AMP sequence variant interpretation guidelines (Richards et al. 2015 PMID: 25741868, with internal and published modifications).